The following is an entry in ClinVar:

NM_000168.6(GLI3):c.3727G>C (p.Ala1243Pro)

Gene: GLI3 (GLI family zinc finger 3; minus strand). Cytogenetic location: 7p14.1.
Variant type: single nucleotide variant.
Coding change: c.3727G>C on transcript NM_000168.6 (MANE Select); coding-DNA position 3727, G replaced by C.
Protein change: p.Ala1243Pro; replaces alanine 1243 with proline.
Molecular consequence: missense variant.
Genome position (GRCh38, 1-based): chr7:41,965,346, C>G on the plus strand (G>C on the coding strand, the complement: GLI3 is on the minus strand). VCF-style: chr7-41965346-C-G. GRCh37 (hg19) VCF-style: chr7-42004944-C-G.
Other names: short protein forms A1243P.
Identifiers: ClinVar variation 1695452 (VCV001695452.2), dbSNP rs1404736446, ClinGen allele CA367317212.
Genomic context (GRCh38, chr7:41,965,346, plus strand): 5'-CTGGCTGCCTGTTGAGACAGTTCCCATACTGCGGGGCCTTACAGGGCTGTTCATGGAAGG[C>G]GTTTCCACTGGTGCCACTTCCGGGGCTGTTGTGGAGCATCAAGTGCTCTGGGCCACCGTA-3'
Protein context (NP_000159.3, residues 1233-1253): NSPGSGTSGN[Ala1243Pro]FHEQPCKAPQ

ClinVar aggregate classification (germline): Uncertain significance (1 of 4 stars; one submission).

Allele frequency attached by ClinVar (database versions not stated): gnomAD exomes below 0.00001.
gnomAD v4.1: 2 of 1,613,662 alleles (0.00012%); highest among the groups gnomAD compares: East Asian, 0.0022%; no homozygotes.

Submission:

GeneDx
Classification: Uncertain significance. Last evaluated: 2022-01-07. Review status: criteria provided, single submitter. Criteria: GeneDx Variant Classification Process June 2021. Collection method: clinical testing. Allele origin: germline. Affected: yes.
Comment: Not observed at significant frequency in large population cohorts (gnomAD); In silico analysis supports that this missense variant does not alter protein structure/function; Has not been previously published as pathogenic or benign to our knowledge